The following is an entry in ClinVar:

NM_006415.4(SPTLC1):c.1410C>T (p.Ala470=)

Gene: SPTLC1 (serine palmitoyltransferase long chain base subunit 1; minus strand). Cytogenetic location: 9q22.31.
Variant type: single nucleotide variant.
Coding change: c.1410C>T on transcript NM_006415.4 (MANE Select); coding-DNA position 1410, C replaced by T.
Protein change: p.Ala470=; no amino-acid change (alanine 470 retained).
Molecular consequence: synonymous variant. On other transcripts: missense variant (1).
Genome position (GRCh38, 1-based): chr9:92,032,477, G>A on the plus strand (C>T on the coding strand, the complement: SPTLC1 is on the minus strand). VCF-style: chr9-92032477-G-A. GRCh37 (hg19) VCF-style: chr9-94794759-G-A.
Other names: c.1378C>T, p.Arg460Cys (NM_001281303.2); c.1044C>T, p.Ala348= (NM_001368272.1); c.945C>T, p.Ala315= (NM_001368273.1); c.1410C>T (LRG_272t1); short protein forms R460C.
Identifiers: ClinVar variation 515991 (VCV000515991.12), dbSNP rs537140001, ClinGen allele CA5121186.

ClinVar aggregate classification (germline): Benign/Likely benign. Review status: criteria provided, multiple submitters, no conflicts (2 of 4 stars). 3 submissions from 3 submitters: Benign (1); Likely benign (2). Last evaluated 2025-07-16.

Conditions:
Inborn genetic diseases. Identifiers: MedGen C0950123, MeSH D030342.
Hereditary sensory and autonomic neuropathy type 1 (HSAN1). Also called: HSAN 1; HSN Type I; Hereditary Sensory Neuropathy Type I. Identifiers: Orphanet 36386, MedGen C0020071, MONDO:0018213.

Allele frequency attached by ClinVar (database versions not stated): ExAC 0.00009; gnomAD 0.00010; TOPMed 0.00018; 1000 Genomes Project 0.00020; 1000 Genomes Project 30x 0.00031.
gnomAD v4.1: 72 of 1,614,184 alleles (0.0045%); highest among the groups gnomAD compares: East Asian, 0.12%; no homozygotes.

Submissions (3):

Labcorp Genetics (formerly Invitae), Labcorp
Classification: Benign for Hereditary sensory and autonomic neuropathy type 1. Last evaluated: 2025-07-16. Review status: criteria provided, single submitter. Criteria: Invitae Variant Classification Sherloc (09022015). Collection method: clinical testing. Allele origin: germline.

Ambry Genetics
Classification: Likely benign for Inborn genetic diseases. Last evaluated: 2019-07-11. Review status: criteria provided, single submitter. Criteria: Ambry Variant Classification Scheme 2023. Collection method: clinical testing. Allele origin: germline.

GeneDx
Classification: Likely benign. Last evaluated: 2018-03-12. Review status: criteria provided, single submitter. Criteria: GeneDx Variant Classification (06012015). Collection method: clinical testing. Allele origin: germline. Affected: yes.
Comment: This variant is considered likely benign or benign based on one or more of the following criteria: it is a conservative change, it occurs at a poorly conserved position in the protein, it is predicted to be benign by multiple in silico algorithms, and/or has population frequency not consistent with disease.